The following is an entry in ClinVar:

ClinVar aggregate classification (germline): Uncertain significance. Review status: criteria provided, multiple submitters, no conflicts (2 of 4 stars). 2 submissions from 2 submitters: Uncertain significance (2). Last evaluated 2024-10-30.

Conditions:
Inborn genetic diseases. Identifiers: MedGen C0950123, MeSH D030342.

gnomAD v4.1: 5 of 1,613,730 alleles (0.00031%); highest among the groups gnomAD compares: Non-Finnish European, 0.00042%; no homozygotes.

Submissions (2):

Ambry Genetics
Classification: Uncertain significance for Inborn genetic diseases. Last evaluated: 2024-10-30. Review status: criteria provided, single submitter. Criteria: Ambry Variant Classification Scheme 2023. Collection method: clinical testing. Allele origin: germline.

Labcorp Genetics (formerly Invitae), Labcorp
Classification: Uncertain significance. Last evaluated: 2024-08-06. Review status: criteria provided, single submitter. Criteria: Invitae Variant Classification Sherloc (09022015). Collection method: clinical testing. Allele origin: germline.
Comment: This sequence change replaces glutamic acid, which is acidic and polar, with lysine, which is basic and polar, at codon 53 of the TUBB1 protein (p.Glu53Lys). This variant is not present in population databases (gnomAD no frequency). This variant has not been reported in the literature in individuals affected with TUBB1-related conditions. Advanced modeling of protein sequence and biophysical properties (such as structural, functional, and spatial information, amino acid conservation, physicochemical variation, residue mobility, and thermodynamic stability) performed at Invitae indicates that this missense variant is expected to disrupt TUBB1 protein function with a positive predictive value of 80%. In summary, the available evidence is currently insufficient to determine the role of this variant in disease. Therefore, it has been classified as a Variant of Uncertain Significance.

NM_030773.4(TUBB1):c.157G>A (p.Glu53Lys)

Gene: TUBB1 (tubulin beta 1 class VI; plus strand). Cytogenetic location: 20q13.32.
Variant type: single nucleotide variant.
Coding change: c.157G>A on transcript NM_030773.4 (MANE Select); coding-DNA position 157, G replaced by A.
Protein change: p.Glu53Lys; replaces glutamic acid 53 with lysine.
Molecular consequence: missense variant.
Genome position (GRCh38, 1-based): chr20:59,022,944, G>A. VCF-style: chr20-59022944-G-A. GRCh37 (hg19) VCF-style: chr20-57597999-G-A.
Other names: short protein forms E53K.
Identifiers: ClinVar variation 3464343 (VCV003464343.3).